The following is an entry in ClinVar:

ClinVar aggregate classification (germline): Uncertain significance (1 of 4 stars; one submission).

gnomAD v4.1: 1 of 1,104,074 alleles (0.000091%); highest among the groups gnomAD compares: Non-Finnish European, 0.00012%; no homozygotes.

Submission:

Women's Health and Genetics/Laboratory Corporation of America, LabCorp
Classification: Uncertain significance. Last evaluated: 2026-04-03. Review status: criteria provided, single submitter. Criteria: LabCorp Variant Classification Summary - May 2015. Collection method: clinical testing. Allele origin: germline.
Comment: Variant summary: PLS3 c.67A>G (p.Lys23Glu) results in a conservative amino acid change in the encoded protein sequence. Algorithms developed to predict the effect of missense changes on protein structure and function are either unavailable or do not agree on the potential impact of this missense change. The variant was absent in 162127 control chromosomes. The available data on variant occurrences in the general population are insufficient to allow any conclusion about variant significance. To our knowledge, no occurrence of c.67A>G in individuals affected with PLS3-related conditions and no experimental evidence demonstrating its impact on protein function have been reported. No submitters have cited clinical-significance assessments for this variant to ClinVar. Based on the evidence outlined above, the variant was classified as uncertain significance.

NM_005032.7(PLS3):c.67A>G (p.Lys23Glu)

Gene: PLS3 (plastin 3; plus strand). Cytogenetic location: Xq23.
Variant type: single nucleotide variant.
Coding change: c.67A>G on transcript NM_005032.7 (MANE Select); coding-DNA position 67, A replaced by G.
Protein change: p.Lys23Glu; replaces lysine 23 with glutamic acid.
Molecular consequence: missense variant. On other transcripts: 5 prime UTR variant (2).
Genome position (GRCh38, 1-based): chrX:115,610,317, A>G. VCF-style: chrX-115610317-A-G. GRCh37 (hg19) VCF-style: chrX-114844629-A-G.
Other names: c.67A>G, p.Lys23Glu (NM_001136025.5, NM_001172335.3, NM_001440791.1 and 1 more transcripts); c.-119A>G (NM_001282337.2); c.-451A>G (NM_001282338.2); short protein forms K23E.
Identifiers: ClinVar variation 4848917 (VCV004848917.1).